The following is an entry in ClinVar:

ClinVar aggregate classification (germline): Likely benign. Review status: criteria provided, multiple submitters, no conflicts (2 of 4 stars). 3 submissions from 3 submitters: Likely benign (3). Last evaluated 2023-03-28.

Conditions:
Isolated microphthalmia 8. Identifiers: Orphanet 2542, MedGen C3554524, MONDO:0014050, OMIM 615113.

Allele frequency attached by ClinVar (database versions not stated): gnomAD exomes 0.00015 and 0.00030; 1000 Genomes Project 30x 0.00016; ExAC 0.00024; gnomAD 0.00032 and 0.00034; TOPMed 0.00049.
gnomAD v4.1: 280 of 1,444,812 alleles (0.019%); highest among the groups gnomAD compares: Middle Eastern, 0.24%; no homozygotes.

Submissions (3):

Labcorp Genetics (formerly Invitae), Labcorp
Classification: Likely benign for Isolated microphthalmia 8. Last evaluated: 2023-03-28. Review status: criteria provided, single submitter. Criteria: Invitae Variant Classification Sherloc (09022015). Collection method: clinical testing. Allele origin: germline.

CeGaT Center for Human Genetics Tuebingen
Classification: Likely benign. Last evaluated: 2022-03-01. Review status: criteria provided, single submitter. Criteria: CeGaT Center For Human Genetics Tuebingen Variant Classification Criteria Version 2. Collection method: clinical testing. Allele origin: germline. Affected: yes. Observed: 1 variant allele.
Comment: ALDH1A3: BP4, BP7

Breakthrough Genomics
Classification: Likely benign. Review status: criteria provided, single submitter. Criteria: ACMG Guidelines, 2015. Collection method: not provided. Allele origin: germline. Inheritance: Autosomal recessive inheritance. Affected: yes.

NM_000693.4(ALDH1A3):c.99+15C>T

Gene: ALDH1A3 (aldehyde dehydrogenase 1 family member A3; plus strand). Cytogenetic location: 15q26.3.
Variant type: single nucleotide variant.
Coding change: c.99+15C>T on transcript NM_000693.4 (MANE Select); 15 bases into the intron after coding-DNA position 99, C replaced by T.
Molecular consequence: intron variant.
Genome position (GRCh38, 1-based): chr15:100,880,021, C>T. VCF-style: chr15-100880021-C-T. GRCh37 (hg19) VCF-style: chr15-101420226-C-T.
Other names: c.99+15C>T (NM_001293815.2).
Identifiers: ClinVar variation 1675588 (VCV001675588.37), dbSNP rs749764506, ClinGen allele CA7759961.
Genomic context (GRCh38, chr15:100,880,021, plus strand): 5'-GGCCCTGCCGCGCCCCATCCGCAACCTGGAGGTCAAGTTCACCAAGGTGAGGCGGGCGCC[C>T]CTCCCACCCGACGGCCGCGGGCCCCTGCGCTGGGCAGCCAGACTCGGGGCGGCGGGGGCG-3'